The following is an entry in ClinVar:

NM_001394062.1(MACF1):c.6722A>G (p.Lys2241Arg)

Gene: MACF1 (microtubule actin crosslinking factor 1; plus strand). Cytogenetic location: 1p34.3.
Variant type: single nucleotide variant.
Coding change: c.6722A>G on transcript NM_001394062.1 (MANE Select); coding-DNA position 6722, A replaced by G.
Protein change: p.Lys2241Arg; replaces lysine 2241 with arginine.
Molecular consequence: missense variant. On other transcripts: intron variant (1).
Genome position (GRCh38, 1-based): chr1:39,333,310, A>G. VCF-style: chr1-39333310-A-G. GRCh37 (hg19) VCF-style: chr1-39798982-A-G.
Other names: c.4629+5957A>G (NM_012090.5); short protein forms K2241R.
Identifiers: ClinVar variation 4881660 (VCV004881660.2).

ClinVar aggregate classification (germline): Uncertain significance (1 of 4 stars; one submission).

gnomAD v4.1: 1 of 1,614,172 alleles (0.000062%); highest among the groups gnomAD compares: Admixed American, 0.0017%; no homozygotes.

Submission:

Dasa
Classification: Uncertain significance. Last evaluated: 2025-09-03. Review status: criteria provided, single submitter. Criteria: DASA Assertion Criteria. Collection method: clinical testing. Allele origin: germline.
Comment: NM_001394062.1(MACF1):c.6722A>G (p.Lys2241Arg) is a missense variant that results in the substitution of lysine with arginine. This variant is rare in population databases. Computational prediction algorithms are consistent with a benign effect. The currently available literature and clinical evidence are not sufficient to establish a definitive association between this variant and the reported condition. Therefore, this variant is classified as a variant of uncertain significance.